The following is an entry in ClinVar:

ClinVar aggregate classification (germline): Uncertain significance. Review status: criteria provided, multiple submitters, no conflicts (2 of 4 stars). 2 submissions from 2 submitters: Uncertain significance (2). Last evaluated 2025-04-01.

Conditions:
Inborn genetic diseases. Identifiers: MedGen C0950123, MeSH D030342.
Baller-Gerold syndrome (BGS). Also called: CRANIOSYNOSTOSIS WITH RADIAL DEFECTS. Identifiers: Orphanet 1225, MedGen C0265308, MONDO:0009039, OMIM 218600.

Allele frequency attached by ClinVar (database versions not stated): gnomAD exomes 0.00001; TOPMed 0.00001; gnomAD 0.00002; ExAC 0.00004; ESP Exome Variant Server 0.00008.
gnomAD v4.1: 16 of 1,604,104 alleles (0.001%); highest among the groups gnomAD compares: African/African-American, 0.0027%; no homozygotes.

Submissions (2):

Ambry Genetics
Classification: Uncertain significance for Inborn genetic diseases. Last evaluated: 2025-04-01. Review status: criteria provided, single submitter. Criteria: Ambry Variant Classification Scheme 2023. Collection method: clinical testing. Allele origin: germline.

Labcorp Genetics (formerly Invitae), Labcorp
Classification: Uncertain significance for Baller-Gerold syndrome. Last evaluated: 2023-11-27. Review status: criteria provided, single submitter. Criteria: Invitae Variant Classification Sherloc (09022015). Collection method: clinical testing. Allele origin: germline.
Comment: This sequence change replaces glutamic acid, which is acidic and polar, with lysine, which is basic and polar, at codon 917 of the RECQL4 protein (p.Glu917Lys). The frequency data for this variant in the population databases is considered unreliable, as metrics indicate poor data quality at this position in the gnomAD database. This variant has not been reported in the literature in individuals affected with RECQL4-related conditions. ClinVar contains an entry for this variant (Variation ID: 859571). Advanced modeling of protein sequence and biophysical properties (such as structural, functional, and spatial information, amino acid conservation, physicochemical variation, residue mobility, and thermodynamic stability) performed at Invitae indicates that this missense variant is expected to disrupt RECQL4 protein function with a positive predictive value of 80%. In summary, the available evidence is currently insufficient to determine the role of this variant in disease. Therefore, it has been classified as a Variant of Uncertain Significance.

NM_004260.4(RECQL4):c.2749G>A (p.Glu917Lys)

Gene: RECQL4 (RecQ like helicase 4; minus strand). Cytogenetic location: 8q24.3.
Variant type: single nucleotide variant.
Coding change: c.2749G>A on transcript NM_004260.4 (MANE Select); coding-DNA position 2749, G replaced by A.
Protein change: p.Glu917Lys; replaces glutamic acid 917 with lysine.
Molecular consequence: missense variant.
Genome position (GRCh38, 1-based): chr8:144,512,853, C>T on the plus strand (G>A on the coding strand, the complement: RECQL4 is on the minus strand). VCF-style: chr8-144512853-C-T. GRCh37 (hg19) VCF-style: chr8-145738236-C-T.
Other names: short protein forms E917K.
Identifiers: ClinVar variation 859571 (VCV000859571.8), dbSNP rs377343487, ClinGen allele CA4948125.